The following is an entry in ClinVar:

ClinVar aggregate classification (germline): Likely benign (0 of 4 stars; one submission).

Conditions:
MAPT-related disorder. Also called: MAPT-related condition; MAPT-Related Disorders.

Allele frequency attached by ClinVar (database versions not stated): ExAC 0.00018; gnomAD 0.00021; TOPMed 0.00025.
gnomAD v4.1: 364 of 1,607,958 alleles (0.023%); highest among the groups gnomAD compares: Non-Finnish European, 0.024%; no homozygotes.

Submission:

PreventionGenetics, part of Exact Sciences
Classification: Likely benign for MAPT-related condition. Last evaluated: 2019-07-10. Review status: no assertion criteria provided. Collection method: clinical testing. Allele origin: germline.
Comment: This variant is classified as likely benign based on ACMG/AMP sequence variant interpretation guidelines (Richards et al. 2015 PMID: 25741868, with internal and published modifications).

NM_001377265.1(MAPT):c.1998+41G>A

Gene: MAPT (microtubule associated protein tau). Cytogenetic location: 17q21.31.
Variant type: single nucleotide variant.
Coding change: c.1998+41G>A on transcript NM_001377265.1 (MANE Select); 41 bases into the intron after coding-DNA position 1998, G replaced by A.
Molecular consequence: intron variant.
Genome position (GRCh38, 1-based): chr17:45,996,705, G>A. VCF-style: chr17-45996705-G-A. GRCh37 (hg19) VCF-style: chr17-44074071-G-A.
Other names: c.648+41G>A (NM_001377268.1, NM_016834.5, NM_016841.5); c.1827+41G>A (NM_001123066.4); c.1773+41G>A (NM_016835.5); c.822+41G>A (NM_005910.6, NM_001203252.2); c.1800+41G>A (NM_001377266.1); c.735+41G>A (NM_001123067.4, NM_001203251.2, NM_001377267.1).
Identifiers: ClinVar variation 3050374 (VCV003050374.2), dbSNP rs758167709, ClinGen allele CA8618087.